The following is an entry in ClinVar:

NM_000219.6(KCNE1):c.104C>T (p.Pro35Leu)

Gene: KCNE1 (potassium voltage-gated channel subfamily E regulatory subunit 1; minus strand). Cytogenetic location: 21q22.12.
Variant type: single nucleotide variant.
Coding change: c.104C>T on transcript NM_000219.6 (MANE Select); coding-DNA position 104, C replaced by T.
Protein change: p.Pro35Leu; replaces proline 35 with leucine.
Molecular consequence: missense variant.
Genome position (GRCh38, 1-based): chr21:34,449,531, G>A on the plus strand (C>T on the coding strand, the complement: KCNE1 is on the minus strand). VCF-style: chr21-34449531-G-A. GRCh37 (hg19) VCF-style: chr21-35821829-G-A.
Other names: c.104C>T, p.Pro35Leu (NM_001127668.4, NM_001127669.4, NM_001127670.4 and 4 more transcripts); short protein forms P35L.
Identifiers: ClinVar variation 2974218 (VCV002974218.5), dbSNP rs2516764586, ClinGen allele CA410198471.

ClinVar aggregate classification (germline): Uncertain significance (1 of 4 stars; one submission).

Conditions:
Long QT syndrome (LQTS). Identifiers: MedGen C0023976, MeSH D008133, MONDO:0002442. Disease mechanism: loss of function. Inheritance: Various modes of inheritance.

Submissions (2):

Labcorp Genetics (formerly Invitae), Labcorp
Classification: Uncertain significance for Long QT syndrome. Last evaluated: 2023-11-24. Review status: criteria provided, single submitter. Criteria: Invitae Variant Classification Sherloc (09022015). Collection method: clinical testing. Allele origin: germline.
Comment: This sequence change replaces proline, which is neutral and non-polar, with leucine, which is neutral and non-polar, at codon 35 of the KCNE1 protein (p.Pro35Leu). This variant is not present in population databases (gnomAD no frequency). This variant has not been reported in the literature in individuals affected with KCNE1-related conditions. Advanced modeling of protein sequence and biophysical properties (such as structural, functional, and spatial information, amino acid conservation, physicochemical variation, residue mobility, and thermodynamic stability) performed at Invitae indicates that this missense variant is not expected to disrupt KCNE1 protein function with a negative predictive value of 95%. In summary, the available evidence is currently insufficient to determine the role of this variant in disease. Therefore, it has been classified as a Variant of Uncertain Significance.

Roden Lab, Vanderbilt University Medical Center
No classification provided (evidence only). Condition: Long QT syndrome 5. Review status: no classification provided. Collection method: in vitro. Allele origin: not applicable. Functional consequence: Effect on ion channel function. Not counted in ClinVar's aggregate classification.
ClinVar note: "not provided" was previously submitted as the classification for the variant. However, the classification appeared to be based only on an observation of functional data so it was converted to no classification on 2025-07-30.